The following is an entry in ClinVar:

NM_000038.6(APC):c.1249T>G (p.Cys417Gly)

Gene: APC (APC regulator of Wnt signaling pathway; plus strand). Cytogenetic location: 5q22.2.
Variant type: single nucleotide variant.
Coding change: c.1249T>G on transcript NM_000038.6 (MANE Select); coding-DNA position 1249, T replaced by G.
Protein change: p.Cys417Gly; replaces cysteine 417 with glycine.
Molecular consequence: missense variant.
Genome position (GRCh38, 1-based): chr5:112,819,281, T>G. VCF-style: chr5-112819281-T-G. GRCh37 (hg19) VCF-style: chr5-112154978-T-G.
Other names: c.1249T>G, p.Cys417Gly (NM_001127510.3, NM_001354895.2, NM_001354896.2); c.1195T>G, p.Cys399Gly (NM_001127511.3); c.1279T>G, p.Cys427Gly (NM_001354897.2); c.1174T>G, p.Cys392Gly (NM_001354898.2); c.1165T>G, p.Cys389Gly (NM_001354899.2); c.1072T>G, p.Cys358Gly (NM_001354900.2, NM_001354901.2); c.976T>G, p.Cys326Gly (NM_001354902.2); c.946T>G, p.Cys316Gly (NM_001354903.2); and 3 more; short protein forms C134G, C257G, C291G, C316G, C326G, C358G, C389G, C392G.
Identifiers: ClinVar variation 1061472 (VCV001061472.12), dbSNP rs1443626644, ClinGen allele CA16024035.

ClinVar aggregate classification (germline): Uncertain significance. Review status: criteria provided, multiple submitters, no conflicts (2 of 4 stars). 2 submissions from 2 submitters: Uncertain significance (2). Last evaluated 2020-09-24.

Conditions:
Hereditary cancer-predisposing syndrome. Also called: Neoplastic Syndromes, Hereditary; Hereditary Cancer Syndrome; Hereditary neoplastic syndrome; Tumor predisposition. Identifiers: Orphanet 140162, MedGen C0027672, MeSH D009386, MONDO:0015356.
Familial adenomatous polyposis 1 (FAP1). Also called: FAMILIAL ADENOMATOUS POLYPOSIS 1, ATTENUATED; POLYPOSIS, ADENOMATOUS INTESTINAL. Identifiers: MedGen C2713442, MONDO:0021056, OMIM 175100. Disease mechanism: loss of function.

Submissions (2):

Labcorp Genetics (formerly Invitae), Labcorp
Classification: Uncertain significance for Familial adenomatous polyposis 1. Last evaluated: 2020-09-24. Review status: criteria provided, single submitter. Criteria: Invitae Variant Classification Sherloc (09022015). Collection method: clinical testing. Allele origin: germline.
Comment: Algorithms developed to predict the effect of missense changes on protein structure and function are either unavailable or do not agree on the potential impact of this missense change (SIFT: "Tolerated"; PolyPhen-2: "Possibly Damaging"; Align-GVGD: "Class C0"). In summary, the available evidence is currently insufficient to determine the role of this variant in disease. Therefore, it has been classified as a Variant of Uncertain Significance. This variant has not been reported in the literature in individuals with APC-related conditions. This variant is not present in population databases (ExAC no frequency). This sequence change replaces cysteine with glycine at codon 417 of the APC protein (p.Cys417Gly). The cysteine residue is highly conserved and there is a large physicochemical difference between cysteine and glycine.

Ambry Genetics
Classification: Uncertain significance for Hereditary cancer-predisposing syndrome. Last evaluated: 2020-01-21. Review status: criteria provided, single submitter. Criteria: Ambry Variant Classification Scheme 2023. Collection method: clinical testing. Allele origin: germline.
Comment: The p.C417G variant (also known as c.1249T>G), located in coding exon 9 of the APC gene, results from a T to G substitution at nucleotide position 1249. The cysteine at codon 417 is replaced by glycine, an amino acid with highly dissimilar properties. This amino acid position is highly conserved in available vertebrate species. In addition, in silico predictors for this gene do not accurately predict pathogenicity. Since supporting evidence is limited at this time, the clinical significance of this alteration remains unclear.